The following is an entry in ClinVar:

NM_004260.4(RECQL4):c.3507C>A (p.Ser1169Arg)

Gene: RECQL4 (RecQ like helicase 4; minus strand). Cytogenetic location: 8q24.3.
Variant type: single nucleotide variant.
Coding change: c.3507C>A on transcript NM_004260.4 (MANE Select); coding-DNA position 3507, C replaced by A.
Protein change: p.Ser1169Arg; replaces serine 1169 with arginine.
Molecular consequence: missense variant.
Genome position (GRCh38, 1-based): chr8:144,511,551, G>T on the plus strand (C>A on the coding strand, the complement: RECQL4 is on the minus strand). VCF-style: chr8-144511551-G-T. GRCh37 (hg19) VCF-style: chr8-145736934-G-T.
Other names: short protein forms S1169R.
Identifiers: ClinVar variation 1367625 (VCV001367625.6), dbSNP rs370738615, ClinGen allele CA4947670.

ClinVar aggregate classification (germline): Uncertain significance (1 of 4 stars; one submission).

Conditions:
Baller-Gerold syndrome (BGS). Also called: CRANIOSYNOSTOSIS WITH RADIAL DEFECTS. Identifiers: Orphanet 1225, MedGen C0265308, MONDO:0009039, OMIM 218600.

Allele frequency attached by ClinVar (database versions not stated): ExAC 0.00001; ESP Exome Variant Server 0.00008.

Submission:

Labcorp Genetics (formerly Invitae), Labcorp
Classification: Uncertain significance for Baller-Gerold syndrome. Last evaluated: 2022-03-13. Review status: criteria provided, single submitter. Criteria: Invitae Variant Classification Sherloc (09022015). Collection method: clinical testing. Allele origin: germline.
Comment: In summary, the available evidence is currently insufficient to determine the role of this variant in disease. Therefore, it has been classified as a Variant of Uncertain Significance. This sequence change replaces serine, which is neutral and polar, with arginine, which is basic and polar, at codon 1169 of the RECQL4 protein (p.Ser1169Arg). This variant is present in population databases (rs370738615, gnomAD 0.0009%). This variant has not been reported in the literature in individuals affected with RECQL4-related conditions. Experimental studies and prediction algorithms are not available or were not evaluated, and the functional significance of this variant is currently unknown. Algorithms developed to predict the effect of sequence changes on RNA splicing suggest that this variant may create or strengthen a splice site.